The following is an entry in ClinVar:

ClinVar aggregate classification (germline): Pathogenic/Likely pathogenic. Review status: criteria provided, multiple submitters, no conflicts (2 of 4 stars). 5 submissions from 5 submitters: Pathogenic (4); Likely pathogenic (1). Last evaluated 2026-06-29.

Conditions:
Infantile myofibromatosis (IMF). Also called: Congenital generalized fibromatosis. Identifiers: Orphanet 2591, MedGen C0432284, MONDO:0016824.
Myofibromatosis, infantile, 1. Also called: Myofibromatosis, juvenile. Identifiers: Orphanet 2591, MedGen C4551572, MONDO:0009227, OMIM 228550.

Submissions (5):

Institute of Human Genetics, University of Leipzig Medical Center
Classification: Pathogenic for Myofibromatosis, infantile, 1. Last evaluated: 2026-06-29. Review status: criteria provided, single submitter. Criteria: ACMG Guidelines, 2015. Collection method: clinical testing. Allele origin: unknown. Inheritance: Autosomal dominant inheritance. Affected: yes.
Comment: Criteria applied: PM5_STR,PS1_MOD,PS4_MOD,PM2,PS3_SUP,PP3,PP4

Clinical Genomics Laboratory, Washington University in St. Louis
Classification: Pathogenic for Myofibromatosis, infantile, 1. Last evaluated: 2025-04-15. Review status: criteria provided, single submitter. Criteria: Leon-Quintero et al. (Clin Genet. 2025). Collection method: clinical testing. Allele origin: somatic. Affected: yes.
Comment: A PDGFRB c.1998C>A (p.Asn666Lys) variant was identified. This variant has been reported in several cases of myofibromatosis and myopericytomatosis in the literature (Arts FA et al., PMID: 28334876; Moura DAP et al., PMID: 32613555; Cheung YH et al., PMID: 23731537; Hung YP et al., PMID: 28505006; Guérit E et al. PMID: 33449152). This variant has been reported in the ClinVar database as a likely pathogenic/pathogenic somatic variant by three submitters (ClinVar Variation ID: 218935). It is absent from the general population (gnomAD v.4.1.0), indicating it is not a common variant and resides at a mutational hotspot within a region, the N-lobe of the kinase domain, of PDGFRB that is defined as a critical functional domain (Arts FA et al., PMID: 28334876; Dermawan JK e tal., PMID: 36788091). Computational predictors indicate that the variant is damaging, evidence that correlates with impact to PDGFRB function. In support of this prediction, functional studies show that this variant induces constitutive signaling, indicating that this variant impacts protein function (Arts FA et al., PMID: 28334876; Arts FA et al., PMID: 26455322). Other variants at the same codon, p.Asn666Ser; p.Asn666His, have been reported and are considered likely pathogenic/pathogenic (Bredrup C et al., PMID: 30573803; Moura DAP et al., PMID: 32613555; ClinVar variation ID's: 1686016, 208692). Individuals with activating variants in this domain of PDGFRB have shown clinical response to tyrosine kinase inhibitors, such as imatinib (Arts FA et al., PMID: 26455322; Wenger TL et al., 32500973). Based on an internally developed protocol informed by the ACMG/AMP guidelines (Leon-Quintero FZ, et al., PMID: 39434542), and gene-specific practices from the ClinGen Criteria Specification Registry, the PDGFRB c.1998C>A (p.Asn666Lys) variant is classified as pathogenic.

Seattle Children's Hospital Molecular Genetics Laboratory, Seattle Children's Hospital
Classification: Pathogenic. Last evaluated: 2022-01-21. Review status: criteria provided, single submitter. Criteria: ACMG Guidelines, 2015. Collection method: clinical testing. Allele origin: somatic. Affected: yes.
Comment: The PDGFRB p.Asn666Lys variant has been previously reported in the somatic state in multiple patients with infantile myofibromatosis (OMIM #228550) (PMID: 28334876 and others). The p.Asn666Lys variant is in the N-terminal lobe of the kinase domain of the PDGFRB protein and results in constitutive activation of downstream signaling (PMID: 28334876). This variant was identified in 35% of reads, suggesting somatic origin. Although the p.Asn666Lys variant has only been reported in the somatic state, constitutional activating variants in PDGFRB have been previously reported (PMID: 28334876 and others).

Demoulin lab, University of Louvain
Classification: Pathogenic for Infantile myofibromatosis. Last evaluated: 2017-02-01. Review status: criteria provided, single submitter. Criteria: Submitter's publication. Collection method: research. Allele origin: somatic, not applicable. Inheritance: Somatic mutation. Affected: yes. Observed: 2 variant alleles, 2 heterozygotes. Functional consequence: protein gain of function. Study: PDGFRB mutations in myofibromatosis.
Comment: This mutation was found in two patients with myofibromatosis in our cohort and has been reported by others. It strongly activates PDGFRB signaling in cell culture (gain of function). Another variant, c.1998C>G, leads to the same amino acid change (p.N666K).

Lupski Lab, Baylor-Hopkins CMG, Baylor College of Medicine
Classification: Likely pathogenic for Myofibromatosis, infantile, 1. Last evaluated: 2013-02-12. Review status: criteria provided, single submitter. Criteria: Cheung et al. (AJHG 2013). Collection method: research. Allele origin: somatic. Inheritance: Somatic mutation. Affected: yes. Observed: 1 variant allele, 1 heterozygote.
Comment: This mutation has been found in two myofibromas from one of the affected familial cases.

Literature cited by the submitters: PubMed 28334876 (cited by Demoulin lab, University of Louvain).

NM_002609.4(PDGFRB):c.1998C>A (p.Asn666Lys)

Gene: PDGFRB (platelet derived growth factor receptor beta; minus strand). Cytogenetic location: 5q32.
Variant type: single nucleotide variant.
Coding change: c.1998C>A on transcript NM_002609.4 (MANE Select); coding-DNA position 1998, C replaced by A.
Protein change: p.Asn666Lys; replaces asparagine 666 with lysine.
Molecular consequence: missense variant.
Genome position (GRCh38, 1-based): chr5:150,124,275, G>T on the plus strand (C>A on the coding strand, the complement: PDGFRB is on the minus strand). VCF-style: chr5-150124275-G-T. GRCh37 (hg19) VCF-style: chr5-149503838-G-T.
Other names: c.1806C>A, p.Asn602Lys (NM_001355016.2); c.1515C>A, p.Asn505Lys (NM_001355017.2); short protein forms N666K, N505K, N602K.
Identifiers: ClinVar variation 218935 (VCV000218935.8), dbSNP rs864309711, ClinGen allele CA339662.
Genomic context (GRCh38, chr5:150,124,275, plus strand): 5'-TTTCCCTGAGGCCTCTGGGGCAGTGGGCTCGGTACCTCCTTTGGTGCAGGCCCCCAACAG[G>T]TTGACCACGTTCAGGTGGGGCCCAAGGTGACTCATGATCTTCAGCTCCGACATAAGGGCT-3'
Protein context (NP_002600.1, residues 656-676): SHLGPHLNVV[Asn666Lys]LLGACTKGGP